The following is an entry in ClinVar:

NM_000057.4(BLM):c.3700G>A (p.Gly1234Ser)

Gene: BLM (BLM RecQ like helicase; plus strand). Cytogenetic location: 15q26.1.
Variant type: single nucleotide variant.
Coding change: c.3700G>A on transcript NM_000057.4 (MANE Select); coding-DNA position 3700, G replaced by A.
Protein change: p.Gly1234Ser; replaces glycine 1234 with serine.
Molecular consequence: missense variant. On other transcripts: intron variant (1).
Genome position (GRCh38, 1-based): chr15:90,804,308, G>A. VCF-style: chr15-90804308-G-A. GRCh37 (hg19) VCF-style: chr15-91347538-G-A.
Other names: c.3700G>A, p.Gly1234Ser (NM_001287246.2); c.2575G>A, p.Gly859Ser (NM_001287248.2); c.3359-4829G>A (NM_001287247.2); short protein forms G859S, G1234S.
Identifiers: ClinVar variation 1734102 (VCV001734102.5), dbSNP rs1567063252, ClinGen allele CA393848197.
Genomic context (GRCh38, chr15:90,804,308, plus strand): 5'-ATGGTTAAAAAATGTCTTGGAGAACTTACAGAAGTCTGCAAATCTCTGGGGAAAGTTTTT[G>A]GTGTCCATTACTTCAATATTTTTAATACCGTCACTCTCAAGAAGCTTGCAGGTGGGTACA-3'
Protein context (NP_000048.1, residues 1224-1244): EVCKSLGKVF[Gly1234Ser]VHYFNIFNTV

ClinVar aggregate classification (germline): Uncertain significance. Review status: criteria provided, multiple submitters, no conflicts (2 of 4 stars). 2 submissions from 2 submitters: Uncertain significance (2). Last evaluated 2023-06-09.

Conditions:
Hereditary cancer-predisposing syndrome. Also called: Neoplastic Syndromes, Hereditary; Tumor predisposition; Hereditary Cancer Syndrome; Hereditary neoplastic syndrome. Identifiers: Orphanet 140162, MedGen C0027672, MeSH D009386, MONDO:0015356.
Bloom syndrome (BLM). Also called: Bloom-Torre-Machacek syndrome. Identifiers: Orphanet 125, MedGen C0005859, MONDO:0008876, OMIM 210900.

Submissions (2):

Labcorp Genetics (formerly Invitae), Labcorp
Classification: Uncertain significance for Bloom syndrome. Last evaluated: 2023-06-09. Review status: criteria provided, single submitter. Criteria: Invitae Variant Classification Sherloc (09022015). Collection method: clinical testing. Allele origin: germline.
Comment: This variant is not present in population databases (gnomAD no frequency). This sequence change replaces glycine, which is neutral and non-polar, with serine, which is neutral and polar, at codon 1234 of the BLM protein (p.Gly1234Ser). In summary, the available evidence is currently insufficient to determine the role of this variant in disease. Therefore, it has been classified as a Variant of Uncertain Significance. Algorithms developed to predict the effect of sequence changes on RNA splicing suggest that this variant may disrupt the consensus splice site. Advanced modeling of protein sequence and biophysical properties (such as structural, functional, and spatial information, amino acid conservation, physicochemical variation, residue mobility, and thermodynamic stability) performed at Invitae indicates that this missense variant is not expected to disrupt BLM protein function. ClinVar contains an entry for this variant (Variation ID: 1734102). This variant has not been reported in the literature in individuals affected with BLM-related conditions.

Ambry Genetics
Classification: Uncertain significance for Hereditary cancer-predisposing syndrome. Last evaluated: 2022-04-05. Review status: criteria provided, single submitter. Criteria: Ambry Variant Classification Scheme 2023. Collection method: clinical testing. Allele origin: germline.
Comment: The p.G1234S variant (also known as c.3700G>A), located in coding exon 18 of the BLM gene, results from a G to A substitution at nucleotide position 3700. The glycine at codon 1234 is replaced by serine, an amino acid with similar properties. This amino acid position is conserved. In addition, the in silico prediction for this alteration is inconclusive. Since supporting evidence is limited at this time, the clinical significance of this alteration remains unclear.